The following is an entry in ClinVar:

NM_000038.6(APC):c.5165A>G (p.Asp1722Gly)

Gene: APC (APC regulator of Wnt signaling pathway; plus strand). Cytogenetic location: 5q22.2.
Variant type: single nucleotide variant.
Coding change: c.5165A>G on transcript NM_000038.6 (MANE Select); coding-DNA position 5165, A replaced by G.
Protein change: p.Asp1722Gly; replaces aspartic acid 1722 with glycine.
Molecular consequence: missense variant.
Genome position (GRCh38, 1-based): chr5:112,840,759, A>G. VCF-style: chr5-112840759-A-G. GRCh37 (hg19) VCF-style: chr5-112176456-A-G.
Other names: c.5165A>G, p.Asp1722Gly (NM_001127510.3, NM_001354895.2); c.5111A>G, p.Asp1704Gly (NM_001127511.3); c.5219A>G, p.Asp1740Gly (NM_001354896.2); c.5195A>G, p.Asp1732Gly (NM_001354897.2); c.5090A>G, p.Asp1697Gly (NM_001354898.2); c.5081A>G, p.Asp1694Gly (NM_001354899.2); c.5042A>G, p.Asp1681Gly (NM_001354900.2); c.4988A>G, p.Asp1663Gly (NM_001354901.2); and 5 more; short protein forms D1704G, D1722G, D1439G, D1562G, D1663G, D1740G, D1596G, D1631G.
Identifiers: ClinVar variation 482277 (VCV000482277.25), dbSNP rs1175970075, ClinGen allele CA16032621.

ClinVar aggregate classification (germline): Uncertain significance. Review status: criteria provided, multiple submitters, no conflicts (2 of 4 stars). 5 submissions from 5 submitters: Uncertain significance (5). Last evaluated 2026-01-06.

Conditions:
Classic or attenuated familial adenomatous polyposis. Identifiers: MedGen CN372698, MONDO:0021057.
Familial adenomatous polyposis 1 (FAP1). Also called: FAMILIAL ADENOMATOUS POLYPOSIS 1, ATTENUATED; POLYPOSIS, ADENOMATOUS INTESTINAL. Identifiers: MedGen C2713442, MONDO:0021056, OMIM 175100. Disease mechanism: loss of function.
Hereditary cancer-predisposing syndrome. Also called: Neoplastic Syndromes, Hereditary; Tumor predisposition; Hereditary Cancer Syndrome; Hereditary neoplastic syndrome. Identifiers: Orphanet 140162, MedGen C0027672, MeSH D009386, MONDO:0015356.

Allele frequency attached by ClinVar (database versions not stated): gnomAD exomes below 0.00001.
gnomAD v4.1: 4 of 1,614,078 alleles (0.00025%); highest among the groups gnomAD compares: Admixed American, 0.0017%; no homozygotes.

Submissions (5):

Labcorp Genetics (formerly Invitae), Labcorp
Classification: Uncertain significance for Familial adenomatous polyposis 1. Last evaluated: 2026-01-06. Review status: criteria provided, single submitter. Criteria: Invitae Variant Classification Sherloc (09022015). Collection method: clinical testing. Allele origin: germline.
Comment: This sequence change replaces aspartic acid, which is acidic and polar, with glycine, which is neutral and non-polar, at codon 1722 of the APC protein (p.Asp1722Gly). This variant is present in population databases (no rsID available, gnomAD 0.003%). This variant has not been reported in the literature in individuals affected with APC-related conditions. ClinVar contains an entry for this variant (Variation ID: 482277). Invitae Evidence Modeling of protein sequence and biophysical properties (such as structural, functional, and spatial information, amino acid conservation, physicochemical variation, residue mobility, and thermodynamic stability) indicates that this missense variant is not expected to disrupt APC protein function with a negative predictive value of 95%. In summary, the available evidence is currently insufficient to determine the role of this variant in disease. Therefore, it has been classified as a Variant of Uncertain Significance.

Ambry Genetics
Classification: Uncertain significance for Hereditary cancer-predisposing syndrome. Last evaluated: 2025-04-04. Review status: criteria provided, single submitter. Criteria: Ambry Variant Classification Scheme 2023. Collection method: clinical testing. Allele origin: germline.
Comment: The p.D1722G variant (also known as c.5165A>G), located in coding exon 15 of the APC gene, results from an A to G substitution at nucleotide position 5165. The aspartic acid at codon 1722 is replaced by glycine, an amino acid with similar properties. This amino acid position is highly conserved in available vertebrate species. In addition, in silico predictors for this gene do not accurately predict pathogenicity. Since supporting evidence is limited at this time, the clinical significance of this alteration remains unclear.

All of Us Research Program, National Institutes of Health
Classification: Uncertain significance for Classic or attenuated familial adenomatous polyposis. Last evaluated: 2024-08-13. Review status: criteria provided, single submitter. Criteria: ACMG Guidelines, 2015. Collection method: clinical testing. Allele origin: germline. Inheritance: Autosomal dominant inheritance. Observed: 3 variant alleles, 3 heterozygotes.
Comment: This missense variant replaces aspartic acid with glycine at codon 1722 of the APC protein. Computational prediction is inconclusive regarding the impact of this variant on protein structure and function (internally defined REVEL score threshold 0.5 < inconclusive < 0.7, PMID: 27666373). To our knowledge, functional studies have not been reported for this variant. This variant has not been reported in individuals affected with APC-related disorders in the literature. This variant has been identified in 1/250404 chromosomes in the general population by the Genome Aggregation Database (gnomAD). The available evidence is insufficient to determine the role of this variant in disease conclusively. Therefore, this variant is classified as a Variant of Uncertain Significance.

This study involves interpretation of variants in research participants for the purpose of population health screening. Participant phenotype was not available at the time of variant classification. Additional details can be found in publication PMID: 35346344, PMCID: PMC8962531

Color Diagnostics, LLC DBA Color Health
Classification: Uncertain significance for Hereditary cancer-predisposing syndrome. Last evaluated: 2024-03-06. Review status: criteria provided, single submitter. Criteria: ACMG Guidelines, 2015. Collection method: clinical testing. Allele origin: germline.
Comment: This missense variant replaces aspartic acid with glycine at codon 1722 of the APC protein. Computational prediction is inconclusive regarding the impact of this variant on protein structure and function (internally defined REVEL score threshold 0.5 < inconclusive < 0.7, PMID: 27666373). To our knowledge, functional studies have not been reported for this variant. This variant has not been reported in individuals affected with APC-related disorders in the literature. This variant has been identified in 1/250404 chromosomes in the general population by the Genome Aggregation Database (gnomAD). The available evidence is insufficient to determine the role of this variant in disease conclusively. Therefore, this variant is classified as a Variant of Uncertain Significance.

GeneDx
Classification: Uncertain significance. Last evaluated: 2019-10-07. Review status: criteria provided, single submitter. Criteria: GeneDx Variant Classification Process June 2021. Collection method: clinical testing. Allele origin: germline. Affected: yes.
Comment: Not observed at a significant frequency in large population cohorts (Lek 2016); In silico analysis, which includes protein predictors and evolutionary conservation, supports that this variant does not alter protein structure/function; Has not been previously published as pathogenic or benign to our knowledge